The following is an entry in ClinVar:

ClinVar aggregate classification (germline): Pathogenic (1 of 4 stars; one submission).

Conditions:
Polycystic kidney disease 2 (PKD2). Also called: POLYCYSTIC KIDNEY DISEASE, ADULT, TYPE II; Polycystic Kidney Disease 2, Autosomal Dominant; POLYCYSTIC KIDNEY DISEASE 2 WITH OR WITHOUT POLYCYSTIC LIVER DISEASE. Identifiers: MedGen C2751306, MONDO:0013131, OMIM 613095.

gnomAD v4.1: 1 of 1,522,316 alleles (0.000066%); highest among the groups gnomAD compares: Non-Finnish European, 0.000088%; no homozygotes.

Submission:

Victorian Clinical Genetics Services, Murdoch Childrens Research Institute
Classification: Pathogenic for Polycystic kidney disease 2. Last evaluated: 2024-10-10. Review status: criteria provided, single submitter. Criteria: ACMG Guidelines, 2015. Collection method: clinical testing. Allele origin: germline. Inheritance: Autosomal dominant inheritance. Affected: yes.
Comment: Based on the classification scheme VCGS_Germline_v1.3.5, this variant is classified as Pathogenic. Following criteria are met: 0102 - Loss of function is a known mechanism of disease in this gene and is associated with polycystic kidney disease 2 (MIM#613095). (I) 0107 - This gene is associated with autosomal dominant disease. (I) 0201 - Variant is predicted to cause nonsense-mediated decay (NMD) and loss of protein (premature termination codon is located at least 54 nucleotides upstream of the final exon-exon junction). (SP) 0251 - This variant is heterozygous. (I) 0302 - Variant is present in gnomAD (v4) <0.001 for a dominant condition (1 heterozygote, 0 homozygotes). (SP) 0701 - Other NMD-predicted variants comparable to the one identified in this case have very strong previous evidence for pathogenicity (DECIPHER). (SP) 0807 - This variant has no previous evidence of pathogenicity. (I) 0905 - No published segregation evidence has been identified for this variant. (I) 1007 - No published functional evidence has been identified for this variant. (I) 1208 - Inheritance information for this variant is not currently available in this individual. (I) Legend: (SP) - Supporting pathogenic, (I) - Information, (SB) - Supporting benign

NM_000297.4(PKD2):c.298G>T (p.Glu100Ter)

Genes: PKD2 (polycystin 2, transient receptor potential cation channel; plus strand), LOC129992813 (ATAC-STARR-seq lymphoblastoid silent region 15559; plus strand). Cytogenetic location: 4q22.1.
Variant type: single nucleotide variant.
Coding change: c.298G>T on transcript NM_000297.4 (MANE Select); coding-DNA position 298, G replaced by T.
Protein change: p.Glu100Ter; replaces glutamic acid 100 with a stop codon.
Molecular consequence: nonsense. On other transcripts: non-coding transcript variant (1).
Genome position (GRCh38, 1-based): chr4:88,008,031, G>T. VCF-style: chr4-88008031-G-T. GRCh37 (hg19) VCF-style: chr4-88929183-G-T.
Other names: short protein forms E100*.
Identifiers: ClinVar variation 3377082 (VCV003377082.1).